The following is an entry in ClinVar:

ClinVar aggregate classification (germline): Uncertain significance (1 of 4 stars; one submission).

Allele frequency attached by ClinVar (database versions not stated): gnomAD 0.00001; TOPMed 0.00002; gnomAD exomes below 0.00001.

Submission:

Labcorp Genetics (formerly Invitae), Labcorp
Classification: Uncertain significance. Last evaluated: 2025-02-27. Review status: criteria provided, single submitter. Criteria: Invitae Variant Classification Sherloc (09022015). Collection method: clinical testing. Allele origin: germline.
Comment: This sequence change replaces threonine, which is neutral and polar, with alanine, which is neutral and non-polar, at codon 200 of the FGF23 protein (p.Thr200Ala). This variant is present in population databases (rs199530638, gnomAD 0.01%). This variant has not been reported in the literature in individuals affected with FGF23-related conditions. ClinVar contains an entry for this variant (Variation ID: 2996937). Invitae Evidence Modeling of protein sequence and biophysical properties (such as structural, functional, and spatial information, amino acid conservation, physicochemical variation, residue mobility, and thermodynamic stability) indicates that this missense variant is not expected to disrupt FGF23 protein function with a negative predictive value of 95%. In summary, the available evidence is currently insufficient to determine the role of this variant in disease. Therefore, it has been classified as a Variant of Uncertain Significance.

NM_020638.3(FGF23):c.598A>G (p.Thr200Ala)

Gene: FGF23 (fibroblast growth factor 23; minus strand). Cytogenetic location: 12p13.32.
Variant type: single nucleotide variant.
Coding change: c.598A>G on transcript NM_020638.3 (MANE Select); coding-DNA position 598, A replaced by G.
Protein change: p.Thr200Ala; replaces threonine 200 with alanine.
Molecular consequence: missense variant.
Genome position (GRCh38, 1-based): chr12:4,370,501, T>C on the plus strand (A>G on the coding strand, the complement: FGF23 is on the minus strand). VCF-style: chr12-4370501-T-C. GRCh37 (hg19) VCF-style: chr12-4479667-T-C.
Other names: short protein forms T200A.
Identifiers: ClinVar variation 2996937 (VCV002996937.3), dbSNP rs199530638, ClinGen allele CA231757545.
Genomic context (GRCh38, chr12:4,370,501, plus strand): 5'-CCATCGGGCTGTTGTCCTCGGCGCTCGGGAGCTCCTGTGAACAGGAGGCCGGGGCCGGGG[T>C]CATCCGGGCCCGGGGCTTCAGCACGTTCAGGGGGTCCCGCTCCGAGTCGTCCTCGGCGCT-3'
Protein context (NP_065689.1, residues 190-210): LNVLKPRARM[Thr200Ala]PAPASCSQEL